The following is an entry in ClinVar:

NM_001042492.3(NF1):c.2619dup (p.Lys874Ter)

Gene: NF1 (neurofibromin 1; plus strand). Cytogenetic location: 17q11.2.
Variant type: Duplication.
Coding change: c.2619dup on transcript NM_001042492.3 (MANE Select); coding-DNA position 2619, one base duplicated (T; older notation c.2619dupT).
Protein change: p.Lys874Ter; replaces lysine 874 with a stop codon.
Molecular consequence: nonsense. On other transcripts: frameshift variant (1).
Genome position (GRCh38, 1-based): chr17:31,229,234, T duplicated. VCF-style (leftmost placement, unchanged base first): chr17-31229233-G-GT. GRCh37 (hg19) VCF-style: chr17-29556251-G-GT.
Other names: c.2619dupT (NM_000267.3); c.2619dup, p.Lys874Terfs (NM_000267.4); short protein forms K874*.
Identifiers: ClinVar variation 404563 (VCV000404563.9), dbSNP rs1555614284, ClinGen allele CA16615175.

ClinVar aggregate classification (germline): Pathogenic. Review status: criteria provided, multiple submitters, no conflicts (2 of 4 stars). 3 submissions from 3 submitters: Pathogenic (3). Last evaluated 2026-03-30.

Conditions:
Neurofibromatosis, type 1 (NF1). Also called: Peripheral type neurofibromatosis; Neurofibromatosis, type I; VON RECKLINGHAUSEN DISEASE; NEUROFIBROMATOSIS, TYPE I, SOMATIC. Identifiers: Orphanet 636, MedGen C0027831, MONDO:0018975, OMIM 162200. Disease mechanism: loss of function.

Submissions (3):

GeneDx
Classification: Pathogenic. Last evaluated: 2026-03-30. Review status: criteria provided, single submitter. Criteria: GeneDx Variant Classification Process June 2021. Collection method: clinical testing. Allele origin: germline.
Comment: Nonsense variant predicted to result in protein truncation or nonsense mediated decay in a gene for which loss of function is a known mechanism of disease; Not observed at significant frequency in large population cohorts (gnomAD); This variant is associated with the following publications: (PMID: 30530636, 23758643, 35885913, 26056819)

Labcorp Genetics (formerly Invitae), Labcorp
Classification: Pathogenic for Neurofibromatosis, type 1. Last evaluated: 2025-11-04. Review status: criteria provided, single submitter. Criteria: Invitae Variant Classification Sherloc (09022015). Collection method: clinical testing. Allele origin: germline.
Comment: This sequence change creates a premature translational stop signal (p.Lys874*) in the NF1 gene. It is expected to result in an absent or disrupted protein product. Loss-of-function variants in NF1 are known to be pathogenic (PMID: 10712197, 23913538). This variant is not present in population databases (gnomAD no frequency). This premature translational stop signal has been observed in individual(s) with neurofibromatosis type I (PMID: 23758643, 26056819). Invitae Evidence Modeling of clinical and family history, age, sex, and reported ancestry of multiple individuals with this NF1 variant has been performed. This variant is expected to be pathogenic with a positive predictive value of at least 99%. This is a validated machine learning model that incorporates the clinical features of 1,785,918 individuals referred to our laboratory for NF1 testing. ClinVar contains an entry for this variant (Variation ID: 404563). For these reasons, this variant has been classified as Pathogenic.

Revvity Omics, Revvity
Classification: Pathogenic. Last evaluated: 2022-08-29. Review status: criteria provided, single submitter. Criteria: ACMG Guidelines, 2015. Collection method: clinical testing. Allele origin: germline.

Literature cited by the submitters: PubMed 10712197 (cited by Labcorp Genetics (formerly Invitae), Labcorp); PubMed 23913538 (cited by Labcorp Genetics (formerly Invitae), Labcorp); PubMed 23758643 (cited by Labcorp Genetics (formerly Invitae), Labcorp); PubMed 26056819 (cited by Labcorp Genetics (formerly Invitae), Labcorp).